The following is an entry in ClinVar:

NM_020928.2(ZSWIM6):c.2521A>T (p.Met841Leu)

Gene: ZSWIM6 (zinc finger SWIM-type containing 6; plus strand). Cytogenetic location: 5q12.1.
Variant type: single nucleotide variant.
Coding change: c.2521A>T on transcript NM_020928.2 (MANE Select); coding-DNA position 2521, A replaced by T.
Protein change: p.Met841Leu; replaces methionine 841 with leucine.
Molecular consequence: missense variant.
Genome position (GRCh38, 1-based): chr5:61,538,953, A>T. VCF-style: chr5-61538953-A-T. GRCh37 (hg19) VCF-style: chr5-60834780-A-T.
Other names: short protein forms M841L.
Identifiers: ClinVar variation 2988216 (VCV002988216.3), dbSNP rs981378029, ClinGen allele CA119663797.

ClinVar aggregate classification (germline): Uncertain significance (1 of 4 stars; one submission).

Allele frequency attached by ClinVar (database versions not stated): gnomAD 0.00001; TOPMed 0.00003.
gnomAD v4.1: 2 of 1,551,658 alleles (0.00013%); highest among the groups gnomAD compares: African/African-American, 0.0027%; no homozygotes.

Submission:

Labcorp Genetics (formerly Invitae), Labcorp
Classification: Uncertain significance. Last evaluated: 2023-08-05. Review status: criteria provided, single submitter. Criteria: Invitae Variant Classification Sherloc (09022015). Collection method: clinical testing. Allele origin: germline.
Comment: Advanced modeling of protein sequence and biophysical properties (such as structural, functional, and spatial information, amino acid conservation, physicochemical variation, residue mobility, and thermodynamic stability) performed at Invitae indicates that this missense variant is not expected to disrupt ZSWIM6 protein function. This variant has not been reported in the literature in individuals affected with ZSWIM6-related conditions. This variant is not present in population databases (gnomAD no frequency). This sequence change replaces methionine, which is neutral and non-polar, with leucine, which is neutral and non-polar, at codon 841 of the ZSWIM6 protein (p.Met841Leu). In summary, the available evidence is currently insufficient to determine the role of this variant in disease. Therefore, it has been classified as a Variant of Uncertain Significance.